The following is an entry in ClinVar:

ClinVar aggregate classification (germline): Benign/Likely benign. Review status: criteria provided, multiple submitters, no conflicts (2 of 4 stars). 4 submissions from 4 submitters: Benign (3); Likely benign (1). Last evaluated 2025-11-10.

Conditions:
Cataract 22 multiple types. Also called: CATARACT 22, NUCLEAR, AUTOSOMAL RECESSIVE; CATARACT 22, MULTIPLE TYPES, AUTOSOMAL DOMINANT; Cataract 22. Identifiers: Orphanet 91492, MedGen C1857853, MONDO:0012336, OMIM 609741.

Allele frequency attached by ClinVar (database versions not stated): gnomAD exomes 0.00096 and 0.00267; ExAC 0.00322; gnomAD 0.00815 and 0.00874; 1000 Genomes Project 30x 0.00828; ESP Exome Variant Server 0.00838; 1000 Genomes Project 0.00839; TOPMed 0.00933.

Submissions (4):

Labcorp Genetics (formerly Invitae), Labcorp
Classification: Benign for Cataract 22 multiple types. Last evaluated: 2025-11-10. Review status: criteria provided, single submitter. Criteria: Invitae Variant Classification Sherloc (09022015). Collection method: clinical testing. Allele origin: germline.

Fulgent Genetics
Classification: Likely benign for Cataract 22 multiple types. Last evaluated: 2022-04-12. Review status: criteria provided, single submitter. Criteria: ACMG Guidelines, 2015. Collection method: clinical testing. Allele origin: unknown.

Illumina Laboratory Services, Illumina
Classification: Benign for Cataract 22 multiple types. Last evaluated: 2018-01-12. Review status: criteria provided, single submitter. Criteria: ICSL Variant Classification Criteria 13 December 2019. Collection method: clinical testing. Allele origin: germline.
Comment: This variant was observed in the ICSL laboratory as part of a predisposition screen in an ostensibly healthy population. It had not been previously curated by ICSL or reported in the Human Gene Mutation Database (HGMD: prior to June 1st, 2018), and was therefore a candidate for classification through an automated scoring system. Utilizing variant allele frequency, disease prevalence and penetrance estimates, and inheritance mode, an automated score was calculated to assess if this variant is too frequent to cause the disease. Based on the score and internal cut-off values, a variant classified as benign is not then subjected to further curation. The score for this variant resulted in a classification of benign for this disease.

Breakthrough Genomics
Classification: Benign. Review status: criteria provided, single submitter. Criteria: ACMG Guidelines, 2015. Collection method: not provided. Allele origin: germline. Inheritance: Autosomal dominant inheritance. Affected: yes.

NM_004076.5(CRYBB3):c.475G>A (p.Val159Ile)

Gene: CRYBB3 (crystallin beta B3; plus strand). Cytogenetic location: 22q11.23.
Variant type: single nucleotide variant.
Coding change: c.475G>A on transcript NM_004076.5 (MANE Select); coding-DNA position 475, G replaced by A.
Protein change: p.Val159Ile; replaces valine 159 with isoleucine.
Molecular consequence: missense variant.
Genome position (GRCh38, 1-based): chr22:25,207,051, G>A. VCF-style: chr22-25207051-G-A. GRCh37 (hg19) VCF-style: chr22-25603018-G-A.
Other names: short protein forms V159I.
Identifiers: ClinVar variation 466359 (VCV000466359.18), dbSNP rs4455261, ClinGen allele CA10157822.